The following is an entry in ClinVar:

ClinVar aggregate classification (germline): Uncertain significance (1 of 4 stars; one submission).

Conditions:
Cardiovascular phenotype. Identifiers: MedGen CN230736.
Hereditary cancer-predisposing syndrome. Also called: Hereditary neoplastic syndrome; Neoplastic Syndromes, Hereditary; Tumor predisposition; Hereditary Cancer Syndrome. Identifiers: Orphanet 140162, MedGen C0027672, MeSH D009386, MONDO:0015356.

Submission:

Ambry Genetics
Classification: Uncertain significance for Cardiovascular phenotype; Hereditary cancer-predisposing syndrome. Last evaluated: 2025-08-20. Review status: criteria provided, single submitter. Criteria: Ambry Variant Classification Scheme 2023. Collection method: clinical testing. Allele origin: germline.
Comment: The p.K1728T variant (also known as c.5183A>C), located in coding exon 36 of the NF1 gene, results from an A to C substitution at nucleotide position 5183. The lysine at codon 1728 is replaced by threonine, an amino acid with similar properties. This amino acid position is conserved. In addition, this alteration is predicted to be tolerated by in silico analysis. Based on the available evidence, the clinical significance of this variant remains unclear.

NM_001042492.3(NF1):c.5246A>C (p.Lys1749Thr)

Gene: NF1 (neurofibromin 1; plus strand). Cytogenetic location: 17q11.2.
Variant type: single nucleotide variant.
Coding change: c.5246A>C on transcript NM_001042492.3 (MANE Select); coding-DNA position 5246, A replaced by C.
Protein change: p.Lys1749Thr; replaces lysine 1749 with threonine.
Molecular consequence: missense variant.
Genome position (GRCh38, 1-based): chr17:31,326,230, A>C. VCF-style: chr17-31326230-A-C. GRCh37 (hg19) VCF-style: chr17-29653248-A-C.
Other names: c.5183A>C, p.Lys1728Thr (NM_000267.4); short protein forms K1728T, K1749T.
Identifiers: ClinVar variation 4119151 (VCV004119151.1).